The following is an entry in ClinVar:

NM_006005.3(WFS1):c.2459G>A (p.Gly820Asp)

Gene: WFS1 (wolframin ER transmembrane glycoprotein; plus strand). Cytogenetic location: 4p16.1.
Variant type: single nucleotide variant.
Coding change: c.2459G>A on transcript NM_006005.3 (MANE Select); coding-DNA position 2459, G replaced by A.
Protein change: p.Gly820Asp; replaces glycine 820 with aspartic acid.
Molecular consequence: missense variant.
Genome position (GRCh38, 1-based): chr4:6,302,254, G>A. VCF-style: chr4-6302254-G-A. GRCh37 (hg19) VCF-style: chr4-6303981-G-A.
Other names: c.2459G>A, p.Gly820Asp (NM_001145853.1); short protein forms G820D.
Identifiers: ClinVar variation 349328 (VCV000349328.15), dbSNP rs764842865, ClinGen allele CA2839747.

ClinVar aggregate classification (germline): Uncertain significance. Review status: criteria provided, multiple submitters, no conflicts (2 of 4 stars). 7 submissions from 6 submitters: Uncertain significance (7). Last evaluated 2024-04-01.

Conditions:
Wolfram syndrome 1 (WFS1). Identifiers: Orphanet 3463, MedGen C4551693, MONDO:0009101, OMIM 222300.
Wolfram-like syndrome. Also called: HEARING LOSS, PROGRESSIVE, WITH OPTIC ATROPHY AND/OR IMPAIRED GLUCOSE REGULATION. Identifiers: Orphanet 411590, MedGen C3280358, MONDO:0013673, OMIM 614296.
Cataract 41 (CTRCT41). Also called: CATARACT 41, CONGENITAL NUCLEAR TYPE. Identifiers: Orphanet 91492, Orphanet 98991, Orphanet 98992, Orphanet 98995, MedGen C3805412, MONDO:0007287, OMIM 116400.
Autosomal dominant nonsyndromic hearing loss 6 (LFSNHL). Also called: Autosomal dominant nonsyndromic deafness 6; DEAFNESS, AUTOSOMAL DOMINANT 6; DEAFNESS, AUTOSOMAL DOMINANT 14; DEAFNESS, AUTOSOMAL DOMINANT 38. Identifiers: Orphanet 90635, MedGen C1833021, MONDO:0010963, OMIM 600965.
Type 2 diabetes mellitus. Also called: Type II diabetes mellitus. Identifiers: MedGen C0011860, MeSH D003924, MONDO:0005148, OMIM 125853, HP:0005978.
WFS1-Related Spectrum Disorders.
Inborn genetic diseases. Identifiers: MedGen C0950123, MeSH D030342.

Allele frequency attached by ClinVar (database versions not stated): TOPMed 0.00002.

Submissions (7):

Labcorp Genetics (formerly Invitae), Labcorp
Classification: Uncertain significance. Last evaluated: 2024-04-01. Review status: criteria provided, single submitter. Criteria: Invitae Variant Classification Sherloc (09022015). Collection method: clinical testing. Allele origin: germline.
Comment: This sequence change replaces glycine, which is neutral and non-polar, with aspartic acid, which is acidic and polar, at codon 820 of the WFS1 protein (p.Gly820Asp). The frequency data for this variant in the population databases is considered unreliable, as metrics indicate poor data quality at this position in the gnomAD database. This missense change has been observed in individual(s) with optic neuropathy (PMID: 33841295). ClinVar contains an entry for this variant (Variation ID: 349328). Advanced modeling of protein sequence and biophysical properties (such as structural, functional, and spatial information, amino acid conservation, physicochemical variation, residue mobility, and thermodynamic stability) has been performed at Invitae for this missense variant, however the output from this modeling did not meet the statistical confidence thresholds required to predict the impact of this variant on WFS1 protein function. In summary, the available evidence is currently insufficient to determine the role of this variant in disease. Therefore, it has been classified as a Variant of Uncertain Significance.

GeneDx
Classification: Uncertain significance. Last evaluated: 2023-05-16. Review status: criteria provided, single submitter. Criteria: GeneDx Variant Classification Process June 2021. Collection method: clinical testing. Allele origin: germline. Affected: yes.
Comment: Reported in a patient with inherited optic neuropathy with a second variant (phase unknown) in published literature (Charif et al., 2021); In silico analysis, which includes protein predictors and evolutionary conservation, supports a deleterious effect; This variant is associated with the following publications: (PMID: 30019023, 33841295)

Ambry Genetics
Classification: Uncertain significance for Inborn genetic diseases. Last evaluated: 2022-07-29. Review status: criteria provided, single submitter. Criteria: Ambry Variant Classification Scheme 2023. Collection method: clinical testing. Allele origin: germline.

Fulgent Genetics
Classification: Uncertain significance for Cataract 41; Type 2 diabetes mellitus; Wolfram syndrome 1; Autosomal dominant nonsyndromic hearing loss 6; Wolfram-like syndrome. Last evaluated: 2022-05-09. Review status: criteria provided, single submitter. Criteria: ACMG Guidelines, 2015. Collection method: clinical testing. Allele origin: unknown.

Blueprint Genetics
Classification: Uncertain significance. Last evaluated: 2021-11-25. Review status: criteria provided, single submitter. Criteria: ACMG Guidelines, 2015. Collection method: clinical testing. Allele origin: germline.

Illumina Laboratory Services, Illumina
Classification: Uncertain significance for WFS1-Related Spectrum Disorders. Last evaluated: 2018-01-12. Review status: criteria provided, single submitter. Criteria: ICSL Variant Classification Criteria 13 December 2019. Collection method: clinical testing. Allele origin: germline.

Illumina Laboratory Services, Illumina
Classification: Uncertain significance for Autosomal dominant nonsyndromic hearing loss 6. Last evaluated: 2018-01-12. Review status: criteria provided, single submitter. Criteria: ICSL Variant Classification Criteria 13 December 2019. Collection method: clinical testing. Allele origin: germline.

Literature cited by the submitters: PubMed 33841295 (cited by Labcorp Genetics (formerly Invitae), Labcorp).